The following is an entry in ClinVar:

NM_015631.6(TCTN3):c.488A>G (p.His163Arg)

Gene: TCTN3 (tectonic family member 3; minus strand). Cytogenetic location: 10q24.1.
Variant type: single nucleotide variant.
Coding change: c.488A>G on transcript NM_015631.6 (MANE Select); coding-DNA position 488, A replaced by G.
Protein change: p.His163Arg; replaces histidine 163 with arginine.
Molecular consequence: missense variant.
Genome position (GRCh38, 1-based): chr10:95,692,931, T>C on the plus strand (A>G on the coding strand, the complement: TCTN3 is on the minus strand). VCF-style: chr10-95692931-T-C. GRCh37 (hg19) VCF-style: chr10-97452688-T-C.
Other names: c.488A>G, p.His163Arg (NM_001143973.2); short protein forms H163R.
Identifiers: ClinVar variation 1510614 (VCV001510614.6), dbSNP rs376756059, ClinGen allele CA5621157.

ClinVar aggregate classification (germline): Uncertain significance (1 of 4 stars; one submission).

Conditions:
Joubert syndrome 18 (JBTS18). Identifiers: Orphanet 2754, MedGen C3553758, MONDO:0013896, OMIM 614815.
Orofacial-digital syndrome IV (OFD4). Also called: Orofaciodigital syndrome IV; BARAITSER-BURN SYNDROME; MOHR-MAJEWSKI SYNDROME; OFD SYNDROME WITH TIBIAL DEFECTS; OFD SYNDROME, BARAITSER-BURN TYPE; OFDS IV. Identifiers: Orphanet 2753, MedGen C0406727, MONDO:0009794, OMIM 258860.

Allele frequency attached by ClinVar (database versions not stated): gnomAD 0.00005 and 0.00007; TOPMed 0.00005; ESP Exome Variant Server 0.00008.

Submission:

Labcorp Genetics (formerly Invitae), Labcorp
Classification: Uncertain significance for Joubert syndrome 18; Orofacial-digital syndrome IV. Last evaluated: 2023-05-15. Review status: criteria provided, single submitter. Criteria: Invitae Variant Classification Sherloc (09022015). Collection method: clinical testing. Allele origin: germline.
Comment: This variant is present in population databases (rs376756059, gnomAD 0.02%). In summary, the available evidence is currently insufficient to determine the role of this variant in disease. Therefore, it has been classified as a Variant of Uncertain Significance. Advanced modeling of protein sequence and biophysical properties (such as structural, functional, and spatial information, amino acid conservation, physicochemical variation, residue mobility, and thermodynamic stability) performed at Invitae indicates that this missense variant is not expected to disrupt TCTN3 protein function. ClinVar contains an entry for this variant (Variation ID: 1510614). This variant has not been reported in the literature in individuals affected with TCTN3-related conditions. This sequence change replaces histidine, which is basic and polar, with arginine, which is basic and polar, at codon 163 of the TCTN3 protein (p.His163Arg).